The following is an entry in ClinVar:

ClinVar aggregate classification (germline): Uncertain significance. Review status: criteria provided, multiple submitters, no conflicts (2 of 4 stars). 2 submissions from 2 submitters: Uncertain significance (2). Last evaluated 2025-08-22.

Conditions:
Long QT syndrome (LQTS). Identifiers: MedGen C0023976, MeSH D008133, MONDO:0002442. Disease mechanism: loss of function. Inheritance: Various modes of inheritance.
Cardiovascular phenotype. Identifiers: MedGen CN230736.

Allele frequency attached by ClinVar (database versions not stated): TOPMed below 0.00001.
gnomAD v4.1: 1 of 1,614,148 alleles (0.000062%); highest among the groups gnomAD compares: Non-Finnish European, 0.000085%; no homozygotes.

Submissions (2):

Ambry Genetics
Classification: Uncertain significance for Cardiovascular phenotype. Last evaluated: 2025-08-22. Review status: criteria provided, single submitter. Criteria: Ambry Variant Classification Scheme 2023. Collection method: clinical testing. Allele origin: germline.

Labcorp Genetics (formerly Invitae), Labcorp
Classification: Uncertain significance for Long QT syndrome. Last evaluated: 2022-12-29. Review status: criteria provided, single submitter. Criteria: Invitae Variant Classification Sherloc (09022015). Collection method: clinical testing. Allele origin: germline.
Comment: This variant is not present in population databases (gnomAD no frequency). In summary, the available evidence is currently insufficient to determine the role of this variant in disease. Therefore, it has been classified as a Variant of Uncertain Significance. Algorithms developed to predict the effect of missense changes on protein structure and function output the following: SIFT: "Tolerated"; PolyPhen-2: "Benign"; Align-GVGD: "Class C0". The glycine amino acid residue is found in multiple mammalian species, which suggests that this missense change does not adversely affect protein function. This variant has not been reported in the literature in individuals affected with ANK2-related conditions. This sequence change replaces serine, which is neutral and polar, with glycine, which is neutral and non-polar, at codon 3395 of the ANK2 protein (p.Ser3395Gly).

NM_001148.6(ANK2):c.10183A>G (p.Ser3395Gly)

Gene: ANK2 (ankyrin 2; plus strand). Cytogenetic location: 4q26.
Variant type: single nucleotide variant.
Coding change: c.10183A>G on transcript NM_001148.6 (MANE Select); coding-DNA position 10183, A replaced by G.
Protein change: p.Ser3395Gly; replaces serine 3395 with glycine.
Molecular consequence: missense variant. On other transcripts: intron variant (68).
Genome position (GRCh38, 1-based): chr4:113,358,801, A>G. VCF-style: chr4-113358801-A-G. GRCh37 (hg19) VCF-style: chr4-114279957-A-G.
Other names: c.4412-2022A>G (NM_001386148.2, NM_001386186.2); c.4214-2022A>G (NM_001354269.3); c.4292-2022A>G (NM_001386187.2); c.4241-2022A>G (NM_001354266.2, NM_001354276.2, NM_001354249.2 and 2 more transcripts); c.4208-2022A>G (NM_001386146.1, NM_001386150.1, NM_001386149.1 and 1 more transcripts); c.4364-2022A>G (NM_001386143.1, NM_001354243.2, NM_001354255.2); c.4253-2022A>G (NM_001386147.1); c.4271-2022A>G (NM_001386160.1); and 35 more; short protein forms S2195G, S3395G, S3442G, S3434G, S3317G.
Identifiers: ClinVar variation 3017041 (VCV003017041.5), dbSNP rs1238586791, ClinGen allele CA357939863.